The following is an entry in ClinVar:

NM_152564.5(VPS13B):c.3169A>G (p.Ile1057Val)

Gene: VPS13B (vacuolar protein sorting 13 homolog B; plus strand). Cytogenetic location: 8q22.2.
Variant type: single nucleotide variant.
Coding change: c.3169A>G on transcript NM_152564.5 (MANE Select); coding-DNA position 3169, A replaced by G.
Protein change: p.Ile1057Val; replaces isoleucine 1057 with valine.
Molecular consequence: missense variant.
Genome position (GRCh38, 1-based): chr8:99,431,623, A>G. VCF-style: chr8-99431623-A-G. GRCh37 (hg19) VCF-style: chr8-100443851-A-G.
Other names: c.3169A>G, p.Ile1057Val (NM_017890.5); short protein forms I1057V.
Identifiers: ClinVar variation 3357632 (VCV003357632.1).

ClinVar aggregate classification (germline): Uncertain significance (0 of 4 stars; one submission).

Conditions:
VPS13B-related disorder. Also called: VPS13B-related condition.

gnomAD v4.1: 2 of 1,613,498 alleles (0.00012%); highest among the groups gnomAD compares: Non-Finnish European, 0.00017%; no homozygotes.

Submission:

PreventionGenetics, part of Exact Sciences
Classification: Uncertain significance for VPS13B-related condition. Last evaluated: 2024-08-27. Review status: no assertion criteria provided. Collection method: clinical testing. Allele origin: germline.
Comment: The VPS13B c.3169A>G variant is predicted to result in the amino acid substitution p.Ile1057Val. To our knowledge, this variant has not been reported in the literature or in a large population database, indicating this variant is rare. At this time, the clinical significance of this variant is uncertain due to the absence of conclusive functional and genetic evidence.